The following is an entry in ClinVar:

NM_005670.4(EPM2A):c.568A>G (p.Met190Val)

Gene: EPM2A (EPM2A glucan phosphatase, laforin; minus strand). Cytogenetic location: 6q24.3.
Variant type: single nucleotide variant.
Coding change: c.568A>G on transcript NM_005670.4 (MANE Select); coding-DNA position 568, A replaced by G.
Protein change: p.Met190Val; replaces methionine 190 with valine.
Molecular consequence: missense variant. On other transcripts: intron variant (1).
Genome position (GRCh38, 1-based): chr6:145,635,395, T>C on the plus strand (A>G on the coding strand, the complement: EPM2A is on the minus strand). VCF-style: chr6-145635395-T-C. GRCh37 (hg19) VCF-style: chr6-145956531-T-C.
Other names: c.568A>G, p.Met190Val (NM_001018041.2, NM_001368130.1); c.154A>G, p.Met52Val (NM_001360064.2, NM_001360071.2, NM_001368131.1); c.106A>G, p.Met36Val (NM_001368129.2, NM_001368132.1); c.477-7702A>G (NM_001360057.2); short protein forms M190V, M36V, M52V.
Identifiers: ClinVar variation 2058847 (VCV002058847.2), dbSNP rs2533636096, ClinGen allele CA366191405.
Genomic context (GRCh38, chr6:145,635,395, plus strand): 5'-CTGGGTAGCGGTTACAGCCTGAGGAATTCTGTACAATATCCCATTCAGTCTGGAAATTCA[T>C]TACAGCTGTAATCCCCAATTCATGCTTCAGTTTGATGGTTACATGTTCCACCTGACGAGG-3'
Protein context (NP_005661.1, residues 180-200): LKHELGITAV[Met190Val]NFQTEWDIVQ

ClinVar aggregate classification (germline): Uncertain significance (1 of 4 stars; one submission).

Conditions:
Progressive myoclonic epilepsy. Also called: Myoclonic Epilepsies, Progressive; Familial progressive myoclonic epilepsy; Myoclonus epilepsy; Progressive myoclonus epilepsy. Identifiers: Orphanet 308, Orphanet 98261, MedGen C0751778, MONDO:0020074.

Submission:

Labcorp Genetics (formerly Invitae), Labcorp
Classification: Uncertain significance for Progressive myoclonic epilepsy. Last evaluated: 2022-08-09. Review status: criteria provided, single submitter. Criteria: Invitae Variant Classification Sherloc (09022015). Collection method: clinical testing. Allele origin: germline.
Comment: Algorithms developed to predict the effect of missense changes on protein structure and function are either unavailable or do not agree on the potential impact of this missense change (SIFT: "Deleterious"; PolyPhen-2: "Benign"; Align-GVGD: "Class C0"). This variant has not been reported in the literature in individuals affected with EPM2A-related conditions. This variant is not present in population databases (gnomAD no frequency). This sequence change replaces methionine, which is neutral and non-polar, with valine, which is neutral and non-polar, at codon 190 of the EPM2A protein (p.Met190Val). In summary, the available evidence is currently insufficient to determine the role of this variant in disease. Therefore, it has been classified as a Variant of Uncertain Significance.